The following is an entry in ClinVar:

NM_001868.4(CPA1):c.535C>T (p.His179Tyr)

Gene: CPA1 (carboxypeptidase A1; plus strand). Cytogenetic location: 7q32.2.
Variant type: single nucleotide variant.
Coding change: c.535C>T on transcript NM_001868.4 (MANE Select); coding-DNA position 535, C replaced by T.
Protein change: p.His179Tyr; replaces histidine 179 with tyrosine.
Molecular consequence: missense variant.
Genome position (GRCh38, 1-based): chr7:130,383,442, C>T. VCF-style: chr7-130383442-C-T. GRCh37 (hg19) VCF-style: chr7-130023283-C-T.
Other names: short protein forms H179Y.
Identifiers: ClinVar variation 1747056 (VCV001747056.2), dbSNP rs2536008144, ClinGen allele CA369282323.

ClinVar aggregate classification (germline): Uncertain significance (1 of 4 stars; one submission).

Conditions:
Hereditary pancreatitis (PCTT). Also called: Hereditary chronic pancreatitis; PRSS1-Related Hereditary Pancreatitis. Identifiers: Orphanet 676, MedGen C0238339, MONDO:0008185, OMIM 167800.

Submission:

Ambry Genetics
Classification: Uncertain significance for Hereditary pancreatitis. Last evaluated: 2022-08-11. Review status: criteria provided, single submitter. Criteria: Ambry Variant Classification Scheme 2023. Collection method: clinical testing. Allele origin: germline.
Comment: The p.H179Y variant (also known as c.535C>T), located in coding exon 5 of the CPA1 gene, results from a C to T substitution at nucleotide position 535. The histidine at codon 179 is replaced by tyrosine, an amino acid with similar properties. This amino acid position is conserved. In addition, this alteration is predicted to be deleterious by in silico analysis. Since supporting evidence is limited at this time, the clinical significance of this alteration remains unclear.